The following is an entry in ClinVar:

ClinVar aggregate classification (germline): Uncertain significance. Review status: criteria provided, single submitter (1 of 4 stars). 2 submissions from 2 submitters: Uncertain significance (1). 1 of the submissions does not count toward it. Last evaluated 2023-10-05.

Conditions:
Inborn genetic diseases. Identifiers: MedGen C0950123, MeSH D030342.
CPE-related disorder. Also called: CPE-related condition.

Allele frequency attached by ClinVar (database versions not stated): ExAC 0.00003; gnomAD 0.00009; TOPMed 0.00014.
gnomAD v4.1: 93 of 1,613,396 alleles (0.0058%); highest among the groups gnomAD compares: Admixed American, 0.02%; no homozygotes.

Submissions (2):

Ambry Genetics
Classification: Uncertain significance for Inborn genetic diseases. Last evaluated: 2023-10-05. Review status: criteria provided, single submitter. Criteria: Ambry Variant Classification Scheme 2023. Collection method: clinical testing. Allele origin: germline.

PreventionGenetics, part of Exact Sciences
Classification: Uncertain significance for CPE-related condition. Last evaluated: 2024-07-05. Review status: no assertion criteria provided. Collection method: clinical testing. Allele origin: germline. Not counted in ClinVar's aggregate classification.
Comment: The CPE c.964G>A variant is predicted to result in the amino acid substitution p.Val322Ile. To our knowledge, this variant has not been reported in the literature. This variant is reported in 0.016% of alleles in individuals of South Asian descent in gnomAD. At this time, the clinical significance of this variant is uncertain due to the absence of conclusive functional and genetic evidence.

NM_001873.4(CPE):c.964G>A (p.Val322Ile)

Gene: CPE (carboxypeptidase E; plus strand). Cytogenetic location: 4q32.3.
Variant type: single nucleotide variant.
Coding change: c.964G>A on transcript NM_001873.4 (MANE Select); coding-DNA position 964, G replaced by A.
Protein change: p.Val322Ile; replaces valine 322 with isoleucine.
Molecular consequence: missense variant.
Genome position (GRCh38, 1-based): chr4:165,484,595, G>A. VCF-style: chr4-165484595-G-A. GRCh37 (hg19) VCF-style: chr4-166405747-G-A.
Other names: c.964G>A (NM_001873.3); short protein forms V322I.
Identifiers: ClinVar variation 3076616 (VCV003076616.2), dbSNP rs762947355, ClinGen allele CA3130328.
Genomic context (GRCh38, chr4:165,484,595, plus strand): 5'-AAGAATGATGATGACAGCAGCTTTGTAGATGGAACCACCAACGGTGGTGCTTGGTACAGC[G>A]TACCTGGAGGTGAGTTTCCATTGTGCTCTCTGATTATGTGATTGTAGCTTATTTACAATG-3'
Protein context (NP_001864.1, residues 312-332): GTTNGGAWYS[Val322Ile]PGGMQDFNYL